The following is an entry in ClinVar:

NM_006231.4(POLE):c.2080A>G (p.Lys694Glu)

Gene: POLE (DNA polymerase epsilon, catalytic subunit; minus strand). Cytogenetic location: 12q24.33.
Variant type: single nucleotide variant.
Coding change: c.2080A>G on transcript NM_006231.4 (MANE Select); coding-DNA position 2080, A replaced by G.
Protein change: p.Lys694Glu; replaces lysine 694 with glutamic acid.
Molecular consequence: missense variant.
Genome position (GRCh38, 1-based): chr12:132,668,449, T>C on the plus strand (A>G on the coding strand, the complement: POLE is on the minus strand). VCF-style: chr12-132668449-T-C. GRCh37 (hg19) VCF-style: chr12-133245035-T-C.
Other names: short protein forms K694E.
Identifiers: ClinVar variation 849293 (VCV000849293.9), dbSNP rs2042846286, ClinGen allele CA387354140.
Genomic context (GRCh38, chr12:132,668,449, plus strand): 5'-CCTCGCGGGACAGTTCATGAAAGGCCCGAGCTGGCCCCTCTGGGAACAAGGGGGGGAACT[T>C]CTCTGACTCCAGCTGGTGCTGGATCCGATGGTATTCGCTGCGACTGGCTGGCACTGGGAA-3'
Protein context (NP_006222.2, residues 684-704): HRIQHQLESE[Lys694Glu]FPPLFPEGPA

ClinVar aggregate classification (germline): Uncertain significance (1 of 4 stars; one submission).

Submission:

Labcorp Genetics (formerly Invitae), Labcorp
Classification: Uncertain significance. Last evaluated: 2022-02-20. Review status: criteria provided, single submitter. Criteria: Invitae Variant Classification Sherloc (09022015). Collection method: clinical testing. Allele origin: germline.
Comment: This sequence change replaces lysine, which is basic and polar, with glutamic acid, which is acidic and polar, at codon 694 of the POLE protein (p.Lys694Glu). This variant is not present in population databases (gnomAD no frequency). This variant has not been reported in the literature in individuals affected with POLE-related conditions. ClinVar contains an entry for this variant (Variation ID: 849293). Algorithms developed to predict the effect of missense changes on protein structure and function are either unavailable or do not agree on the potential impact of this missense change (SIFT: "Tolerated"; PolyPhen-2: "Possibly Damaging"; Align-GVGD: "Class C0"). In summary, the available evidence is currently insufficient to determine the role of this variant in disease. Therefore, it has been classified as a Variant of Uncertain Significance.